The following is an entry in ClinVar:

ClinVar aggregate classification (germline): Pathogenic. Review status: reviewed by expert panel (3 of 4 stars). 3 submissions from 3 submitters: Pathogenic (1). 2 of the submissions do not count toward it. Last evaluated 2026-09-26.

Conditions:
RPGR-related retinopathy. Also called: RPGR retinopathy. Identifiers: MedGen CN305589, MONDO:0100437.
Primary ciliary dyskinesia. Also called: Ciliary dyskinesia. Identifiers: Orphanet 244, MedGen C0008780, MONDO:0016575, HP:0012265.

Submissions (3):

ClinGen X-linked Inherited Retinal Disease Variant Curation Expert Panel, ClinGen
Classification: Pathogenic for RPGR-related retinopathy. Last evaluated: 2026-09-26. Review status: reviewed by expert panel. Criteria: ClinGen X LinkedIRD ACMG Specifications RPGR V1.0.0. Collection method: curation. Allele origin: germline. Inheritance: X-linked inheritance.
Comment: The NM_001034853.2(RPGR):c.619+1G>C is a splice variant motif located 1 nucleotide after exon 6. This variant occurs at a canonical splice site in intron 6 and is shown to disrupt splicing and induce skipping of part of exon 6, which is expected to introduce a premature stop codon in RPGR (PVS1). This variant is absent from hemizygous individuals in gnomAD v4.1.0 (PM2_Supporting). At least one proband harboring this variant exhibits a phenotype including juvenile onset (1), nyctalopia (0.5), X-linked inheritance (2), decreased central vision acuity (0.5), myopia (0.5), pigmentary retinopathy (0.5), visual field constrictions (0.5), and ERG extinguished (0), which together are specific for RPGR-related retinopathy (5.5 points, PMID: 37854381, PP4). The variant has been reported to segregate with retinal dystrophy through at least 3 affected meioses from 1 family (PP1_moderate; PMID: 37854381).In summary, this variant is classified as pathogenic for RPGR-related retinopathy based on the ClinGen X-linked Inherited Retinal Disease Expert Panel Specifications to the ACMG/AMP Variant Interpretation Guidelines for RPGR Version 1.0.0: PVS1, PP1_Moderate, PP4, and PM2_supportive.

Labcorp Genetics (formerly Invitae), Labcorp
Classification: Pathogenic for Primary ciliary dyskinesia. Last evaluated: 2025-06-17. Review status: criteria provided, single submitter. Criteria: Invitae Variant Classification Sherloc (09022015). Collection method: clinical testing. Allele origin: germline. Not counted in ClinVar's aggregate classification.
Comment: This sequence change affects a donor splice site in intron 6 of the RPGR gene. It is expected to disrupt RNA splicing. Variants that disrupt the donor or acceptor splice site typically lead to a loss of protein function (PMID: 16199547), and loss-of-function variants in RPGR are known to be pathogenic (PMID: 16055928, 16969763). This variant is not present in population databases (gnomAD no frequency). Disruption of this splice site has been observed in individuals with retinitis pigmentosa (PMID: 28157192, 32037395, 37854381). ClinVar contains an entry for this variant (Variation ID: 3026532). Algorithms developed to predict the effect of sequence changes on RNA splicing suggest that this variant may disrupt the consensus splice site. For these reasons, this variant has been classified as Pathogenic.

CeGaT Center for Human Genetics Tuebingen
Classification: Pathogenic. Last evaluated: 2024-02-01. Review status: criteria provided, single submitter. Criteria: CeGaT Center For Human Genetics Tuebingen Variant Classification Criteria Version 2. Collection method: clinical testing. Allele origin: germline. Affected: yes. Observed: 1 variant allele. Not counted in ClinVar's aggregate classification.
Comment: RPGR: PVS1:Strong, PM2, PS4:Moderate, PS1:Supporting, PS3:Supporting

Literature cited by the submitters: PubMed 16199547 (cited by Labcorp Genetics (formerly Invitae), Labcorp); PubMed 16055928 (cited by Labcorp Genetics (formerly Invitae), Labcorp); PubMed 16969763 (cited by Labcorp Genetics (formerly Invitae), Labcorp); PubMed 28157192 (cited by Labcorp Genetics (formerly Invitae), Labcorp); PubMed 32037395 (cited by Labcorp Genetics (formerly Invitae), Labcorp); PubMed 37854381 (cited by Labcorp Genetics (formerly Invitae), Labcorp).

NM_001034853.2(RPGR):c.619+1G>C

Gene: RPGR (retinitis pigmentosa GTPase regulator; minus strand). Cytogenetic location: Xp11.4.
Variant type: single nucleotide variant.
Coding change: c.619+1G>C on transcript NM_001034853.2 (MANE Select); the canonical splice donor site of the intron after coding-DNA position 619, G replaced by C.
Molecular consequence: splice donor variant.
Genome position (GRCh38, 1-based): chrX:38,317,315, C>G on the plus strand (G>C on the coding strand, the complement: RPGR is on the minus strand). VCF-style: chrX-38317315-C-G. GRCh37 (hg19) VCF-style: chrX-38176568-C-G.
Other names: c.616+1G>C (NM_001367249.1); c.619+1G>C (NM_001367250.1, NM_001367245.1, NM_001367251.1 and 3 more transcripts); c.649+1G>C (NM_001367248.1).
Identifiers: ClinVar variation 3026532 (VCV003026532.24), dbSNP rs2519888531, ClinGen allele CA412744367.
Genomic context (GRCh38, chrX:38,317,315, plus strand): 5'-TATTAATTTAATAACAACATAGAAGTGGGAGATAACATGATGACTTCAAAATGTGTCTTA[C>G]TTGTTACAAAAGCTGAATGGTAATATCCACAAGAGATCCAGGAGACAGGTTTCCCAATGG-3'